The following is an entry in ClinVar:

ClinVar aggregate classification (germline): Uncertain significance (1 of 4 stars; one submission).

Conditions:
Amyotrophic lateral sclerosis type 21. Also called: VOCAL CORD AND PHARYNGEAL DYSFUNCTION WITH DISTAL MYOPATHY; MYOPATHY, DISTAL, 2. Identifiers: Orphanet 600, Orphanet 803, MedGen C3807521, MONDO:0011632, OMIM 606070.

Allele frequency attached by ClinVar (database versions not stated): gnomAD exomes below 0.00001 and 0.00001; TOPMed 0.00001; ExAC 0.00002.
gnomAD v4.1: 2 of 1,613,768 alleles (0.00012%); highest among the groups gnomAD compares: Admixed American, 0.0033%; no homozygotes.

Submission:

Labcorp Genetics (formerly Invitae), Labcorp
Classification: Uncertain significance for Amyotrophic lateral sclerosis type 21. Last evaluated: 2024-10-29. Review status: criteria provided, single submitter. Criteria: Invitae Variant Classification Sherloc (09022015). Collection method: clinical testing. Allele origin: germline.
Comment: This sequence change replaces proline, which is neutral and non-polar, with arginine, which is basic and polar, at codon 786 of the MATR3 protein (p.Pro786Arg). This variant is present in population databases (rs765284792, gnomAD 0.006%). This variant has not been reported in the literature in individuals affected with MATR3-related conditions. ClinVar contains an entry for this variant (Variation ID: 834625). An algorithm developed to predict the effect of missense changes on protein structure and function (PolyPhen-2) suggests that this variant is likely to be tolerated. In summary, the available evidence is currently insufficient to determine the role of this variant in disease. Therefore, it has been classified as a Variant of Uncertain Significance.

NM_018834.6(MATR3):c.2357C>G (p.Pro786Arg)

Gene: MATR3 (matrin 3; plus strand). Cytogenetic location: 5q31.2.
Variant type: single nucleotide variant.
Coding change: c.2357C>G on transcript NM_018834.6 (MANE Select); coding-DNA position 2357, C replaced by G.
Protein change: p.Pro786Arg; replaces proline 786 with arginine.
Molecular consequence: missense variant.
Genome position (GRCh38, 1-based): chr5:139,325,648, C>G. VCF-style: chr5-139325648-C-G. GRCh37 (hg19) VCF-style: chr5-138661337-C-G.
Other names: c.2357C>G, p.Pro786Arg (NM_001194954.2, NM_001194955.2, NM_199189.3); c.1493C>G, p.Pro498Arg (NM_001194956.2); c.1343C>G, p.Pro448Arg (NM_001282278.2); short protein forms P786R, P448R, P498R.
Identifiers: ClinVar variation 834625 (VCV000834625.10), dbSNP rs765284792, ClinGen allele CA3433425.